The following is an entry in ClinVar:

ClinVar aggregate classification (germline): Pathogenic (1 of 4 stars; one submission).

Conditions:
Severe X-linked myotubular myopathy (CNMX). Also called: Myotubular myopathy, X-linked; MYOTUBULAR MYOPATHY 1; X-linked centronuclear myopathy. Identifiers: Orphanet 596, MedGen C0410203, MONDO:0010683, OMIM 310400.

Submission:

Labcorp Genetics (formerly Invitae), Labcorp
Classification: Pathogenic for Severe X-linked myotubular myopathy. Last evaluated: 2020-12-25. Review status: criteria provided, single submitter. Criteria: Invitae Variant Classification Sherloc (09022015). Collection method: clinical testing. Allele origin: germline.
Comment: For these reasons, this variant has been classified as Pathogenic. This variant has been observed in individual(s) with clinical features of centronuclear myopathy (Invitae). This variant is not present in population databases (ExAC no frequency). This sequence change creates a premature translational stop signal (p.Trp337Phefs*12) in the MTM1 gene. It is expected to result in an absent or disrupted protein product. Loss-of-function variants in MTM1 are known to be pathogenic (PMID: 9305655, 10063835).

Literature cited by the submitters: PubMed 9305655; PubMed 10063835.

NM_000252.3(MTM1):c.1008_1009dup (p.Trp337fs)

Gene: MTM1 (myotubularin 1; plus strand). Cytogenetic location: Xq28.
Variant type: Duplication.
Coding change: c.1008_1009dup on transcript NM_000252.3 (MANE Select); coding-DNA positions 1008 to 1009, 2 bases duplicated (TT; older notation c.1008_1009dupTT).
Protein change: p.Trp337fs; shifts the reading frame from tryptophan 337.
Molecular consequence: frameshift variant.
Genome position (GRCh38, 1-based): chrX:150,649,856-150,649,857, TT duplicated. VCF-style (leftmost placement, unchanged base first): chrX-150649855-A-ATT. GRCh37 (hg19) VCF-style: chrX-149818328-A-ATT.
Other names: c.897_898dup, p.Trp300fs (NM_001376907.1); c.1008_1009dup, p.Trp337fs (NM_001376908.1, NM_001376906.1); short protein forms W337fs, W300fs.
Identifiers: ClinVar variation 1458095 (VCV001458095.8), dbSNP rs2148497926, ClinGen allele CA2573159351.